The following is an entry in ClinVar:

ClinVar aggregate classification (somatic clinical impact): Tier I - Strong (1 of 4 stars; one submission).
ClinVar aggregate classification (oncogenicity): Likely oncogenic (1 of 4 stars; one submission).

Conditions:
Embryonal rhabdomyosarcoma (ERMS). Also called: Botryoid rhabdomyosarcoma (type of ERMS); Spindle cell rhabdomyosarcomas (type of ERMS). Identifiers: Orphanet 99757, MedGen C0206656, MONDO:0009993, HP:0006743.
Neoplasm. Also called: Neoplasms; Neoplasm (disease); tumor. Identifiers: MedGen C0027651, MeSH D009369, MONDO:0005070, HP:0002664.

Submissions (2):

Center for Genomic Medicine, Rigshospitalet, Copenhagen University Hospital
Classification: Likely oncogenic for Neoplasm. Last evaluated: 2026-10-16. Review status: criteria provided, single submitter. Criteria: ClinGen/CGC/VICC Guidelines for Oncogenicity, 2022. Collection method: clinical testing. Allele origin: somatic. Affected: yes.

Institute for Genomic Medicine (IGM) Clinical Laboratory, Nationwide Children's Hospital
Classification: Tier I - Strong for Embryonal rhabdomyosarcoma. Assertion type: diagnostic. Clinical significance: supports diagnosis. Last evaluated: 2024-02-12. Review status: criteria provided, single submitter. Criteria: AMP/ASCO/CAP Guidelines, 2017. Collection method: clinical testing. Allele origin: somatic. Affected: yes.
Comment: Variant has Tier I (strong) clinical significance as a diagnostic inclusion criterion in embryonal rhabdomyosarcoma, based on the following evidence: 1) Documented in one or more cancer databases (e.g., St. Jude Pecan, COSMIC, CIViC, OncoKB). 2) Appears in one or more well-established professional guidelines (e.g., World Health Organization [WHO]; National Comprehensive Cancer Network [NCCN]) as providing diagnostic, prognostic, or therapeutic information. 3) Information in the literature supports potential biologic effect of variant (PMIDs: 15579438, 31857074). 4) Diagnostic for a specific tumor type/classification based on well-powered studies with expert-level consensus (Evidence Level B; PMIDs: 34166060, 24436047, 24332040, 22142829).

Literature cited by the submitters: PubMed 15579438 (cited by Institute for Genomic Medicine (IGM) Clinical Laboratory, Nationwide Children's Hospital); PubMed 31857074 (cited by Institute for Genomic Medicine (IGM) Clinical Laboratory, Nationwide Children's Hospital); PubMed 34166060 (cited by Institute for Genomic Medicine (IGM) Clinical Laboratory, Nationwide Children's Hospital); PubMed 24436047 (cited by Institute for Genomic Medicine (IGM) Clinical Laboratory, Nationwide Children's Hospital); PubMed 24332040 (cited by Institute for Genomic Medicine (IGM) Clinical Laboratory, Nationwide Children's Hospital); PubMed 22142829 (cited by Institute for Genomic Medicine (IGM) Clinical Laboratory, Nationwide Children's Hospital).

NM_001904.4(CTNNB1):c.1147T>C (p.Trp383Arg)

Gene: CTNNB1 (catenin beta 1; plus strand). Cytogenetic location: 3p22.1.
Variant type: single nucleotide variant.
Coding change: c.1147T>C on transcript NM_001904.4 (MANE Select); coding-DNA position 1147, T replaced by C.
Protein change: p.Trp383Arg; replaces tryptophan 383 with arginine.
Molecular consequence: missense variant.
Genome position (GRCh38, 1-based): chr3:41,233,406, T>C. VCF-style: chr3-41233406-T-C. GRCh37 (hg19) VCF-style: chr3-41274897-T-C.
Other names: c.1147T>C, p.Trp383Arg (NM_001098209.2, NM_001098210.2, NM_001438871.1 and 4 more transcripts); c.1126T>C, p.Trp376Arg (NM_001330729.2); short protein forms W376R, W383R.
Identifiers: ClinVar variation 4530136 (VCV004530136.2).